The following is an entry in ClinVar:

ClinVar aggregate classification (germline): Uncertain significance (0 of 4 stars; one submission).

Conditions:
Prostate cancer. Also called: Malignant tumor of prostate. Identifiers: Orphanet 1331, MedGen C0376358, MONDO:0008315, HP:0012125.

Allele frequency attached by ClinVar (database versions not stated): gnomAD exomes below 0.00001; ExAC 0.00001.
gnomAD v4.1: 2 of 1,613,534 alleles (0.00012%); highest among the groups gnomAD compares: South Asian, 0.0022%; no homozygotes.

Submission:

Science for Life laboratory,  Karolinska Institutet
Classification: Uncertain significance for Malignant tumor of prostate. Review status: no assertion criteria provided. Collection method: not provided. Allele origin: somatic.
Comment: TumorID:SWE-10
ClinVar note: Converted during submission from Unknown to Uncertain significance.

NM_013341.5(OLA1):c.787T>G (p.Phe263Val)

Gene: OLA1 (Obg like ATPase 1; minus strand). Cytogenetic location: 2q31.1.
Variant type: single nucleotide variant.
Coding change: c.787T>G on transcript NM_013341.5 (MANE Select); coding-DNA position 787, T replaced by G.
Protein change: p.Phe263Val; replaces phenylalanine 263 with valine.
Molecular consequence: missense variant. On other transcripts: intron variant (1).
Genome position (GRCh38, 1-based): chr2:174,082,006, A>C on the plus strand (T>G on the coding strand, the complement: OLA1 is on the minus strand). VCF-style: chr2-174082006-A-C. GRCh37 (hg19) VCF-style: chr2-174946734-A-C.
Other names: c.313T>G, p.Phe105Val (NM_001011708.3); c.729-5T>G (NM_001328688.2); short protein forms F105V, F263V.
Identifiers: ClinVar variation 161492 (VCV000161492.2), dbSNP rs193920787, ClinGen allele CA174132.